The following is an entry in ClinVar:

ClinVar aggregate classification (germline): Uncertain significance (1 of 4 stars; one submission).

Conditions:
Hereditary cancer-predisposing syndrome. Also called: Hereditary neoplastic syndrome; Neoplastic Syndromes, Hereditary; Tumor predisposition; Hereditary Cancer Syndrome. Identifiers: Orphanet 140162, MedGen C0027672, MeSH D009386, MONDO:0015356.

gnomAD v4.1: 2 of 1,613,634 alleles (0.00012%); highest among the groups gnomAD compares: Non-Finnish European, 0.00017%; no homozygotes.

Submission:

Ambry Genetics
Classification: Uncertain significance for Hereditary cancer-predisposing syndrome. Last evaluated: 2026-07-08. Review status: criteria provided, single submitter. Criteria: Ambry Variant Classification Scheme 2023. Collection method: clinical testing. Allele origin: germline.
Comment: The p.F615I variant (also known as c.1843T>A), located in coding exon 17 of the TSC2 gene, results from a T to A substitution at nucleotide position 1843. The phenylalanine at codon 615 is replaced by isoleucine, an amino acid with highly similar properties. This amino acid position is conserved. In addition, this alteration is predicted to be deleterious by in silico analysis. Based on the available evidence, the clinical significance of this variant remains unclear.

NM_000548.5(TSC2):c.1843T>A (p.Phe615Ile)

Gene: TSC2 (TSC complex subunit 2; plus strand). Cytogenetic location: 16p13.3.
Variant type: single nucleotide variant.
Coding change: c.1843T>A on transcript NM_000548.5 (MANE Select); coding-DNA position 1843, T replaced by A.
Protein change: p.Phe615Ile; replaces phenylalanine 615 with isoleucine.
Molecular consequence: missense variant. On other transcripts: non-coding transcript variant (5).
Genome position (GRCh38, 1-based): chr16:2,071,513, T>A. VCF-style: chr16-2071513-T-A. GRCh37 (hg19) VCF-style: chr16-2121514-T-A.
Other names: c.1243T>A, p.Phe415Ile (NM_001406687.1, NM_001406688.1, NM_001318831.2 and 6 more transcripts); c.499T>A, p.Phe167Ile (NM_001406689.1, NM_001406690.1, NM_001406691.1 and 6 more transcripts); c.1843T>A, p.Phe615Ile (NM_001077183.3, NM_001114382.3, NM_001363528.2 and 6 more transcripts); c.1732T>A, p.Phe578Ile (NM_001318827.2, NM_001406678.1, NM_001406670.1); c.1696T>A, p.Phe566Ile (NM_001318829.2, NM_001406679.1, NM_001406675.1 and 1 more transcripts); c.1876T>A, p.Phe626Ile (NM_001318832.2); c.1786T>A, p.Phe596Ile (NM_001406677.1); c.1381T>A, p.Phe461Ile (NM_001406681.1); and 3 more; short protein forms F167I, F415I, F461I, F578I, F596I, F615I, F81I, F566I.
Identifiers: ClinVar variation 3462579 (VCV003462579.2).